The following is an entry in ClinVar:

ClinVar aggregate classification (germline): Uncertain significance (1 of 4 stars; one submission).

Allele frequency attached by ClinVar (database versions not stated): gnomAD 0.00001; TOPMed 0.00001; gnomAD exomes 0.00001.
gnomAD v4.1: 9 of 1,614,026 alleles (0.00056%); highest among the groups gnomAD compares: Non-Finnish European, 0.00076%; no homozygotes.

Submission:

Labcorp Genetics (formerly Invitae), Labcorp
Classification: Uncertain significance. Last evaluated: 2026-01-14. Review status: criteria provided, single submitter. Criteria: Invitae Variant Classification Sherloc (09022015). Collection method: clinical testing. Allele origin: germline.
Comment: This sequence change replaces proline, which is neutral and non-polar, with serine, which is neutral and polar, at codon 1720 of the DSCAML1 protein (p.Pro1720Ser). This variant is present in population databases (no rsID available, gnomAD 0.0009%). This variant has not been reported in the literature in individuals affected with DSCAML1-related conditions. ClinVar contains an entry for this variant (Variation ID: 2727570). An algorithm developed to predict the effect of missense changes on protein structure and function (PolyPhen-2) suggests that this variant is likely to be disruptive. In summary, the available evidence is currently insufficient to determine the role of this variant in disease. Therefore, it has been classified as a Variant of Uncertain Significance.

NM_020693.4(DSCAML1):c.4978C>T (p.Pro1660Ser)

Gene: DSCAML1 (DS cell adhesion molecule like 1; minus strand). Cytogenetic location: 11q23.3.
Variant type: single nucleotide variant.
Coding change: c.4978C>T on transcript NM_020693.4 (MANE Select); coding-DNA position 4978, C replaced by T.
Protein change: p.Pro1660Ser; replaces proline 1660 with serine.
Molecular consequence: missense variant.
Genome position (GRCh38, 1-based): chr11:117,433,186, G>A on the plus strand (C>T on the coding strand, the complement: DSCAML1 is on the minus strand). VCF-style: chr11-117433186-G-A. GRCh37 (hg19) VCF-style: chr11-117303902-G-A.
Other names: short protein forms P1660S.
Identifiers: ClinVar variation 2727570 (VCV002727570.3), dbSNP rs1252500485, ClinGen allele CA382756242.